The following is an entry in ClinVar:

NM_000169.3(GLA):c.931del (p.Leu311fs)

Genes: GLA (galactosidase alpha; minus strand), RPL36A-HNRNPH2 (RPL36A-HNRNPH2 readthrough; plus strand). Cytogenetic location: Xq22.1.
Variant type: Deletion.
Coding change: c.931del on transcript NM_000169.3 (MANE Select); coding-DNA position 931, one base deleted (C; older notation c.931delC).
Protein change: p.Leu311fs; shifts the reading frame from leucine 311.
Molecular consequence: frameshift variant. On other transcripts: non-coding transcript variant (3), intron variant (2).
Genome position (GRCh38, 1-based): chrX:101,398,438, G deleted on the plus strand (C on the coding strand, the reverse complement: GLA is on the minus strand); the first of 2 consecutive G bases (chrX:101,398,438-101,398,439); deleting either gives the same sequence. VCF-style (leftmost placement, unchanged base first): chrX-101398437-AG-A. GRCh37 (hg19) VCF-style: chrX-100653425-AG-A.
Other names: c.1054del, p.Leu352fs (NM_001406747.1); c.931del, p.Leu311fs (NM_001406748.1); c.300+2982del (NM_001199973.2); c.177+6617del (NM_001199974.2); short protein forms L311fs, L352fs.
Identifiers: ClinVar variation 4087027 (VCV004087027.2).

ClinVar aggregate classification (germline): Pathogenic (1 of 4 stars; one submission).

Conditions:
Fabry disease. Also called: ALPHA-GALACTOSIDASE A DEFICIENCY; ANDERSON-FABRY DISEASE; CERAMIDE TRIHEXOSIDASE DEFICIENCY; GLA DEFICIENCY; HEREDITARY DYSTOPIC LIPIDOSIS; Angiokeratoma corporis diffusum. Identifiers: Orphanet 324, MedGen C0002986, MONDO:0010526, OMIM 301500, HP:0001071. Disease mechanism: Fabry disease is due to inactivating mutations in the X-linked GLA gene resulting in deficiency of the enzyme Alpha Galactosidase-A., loss of function.

Submission:

Genomenon, Inc
Classification: Pathogenic for Fabry disease. Last evaluated: 2026-09-08. Review status: criteria provided, single submitter. Criteria: Genomenon Sequence Variant Interpretation Standards - Updated. Collection method: curation. Allele origin: germline. Affected: yes.
Comment: GLA p.Leu311PhefsTer6 (c.931del) is a frameshift variant that is predicted to introduce a premature termination codon and result in a truncated or absent protein product. This variant has been observed in at least one proband with clinical features consistent with Fabry disease (PMID:24094560). It is absent or not present at a significant frequency in gnomAD. In conclusion, we classify GLA p.Leu311PhefsTer6 (c.931del) as a pathogenic variant.

Literature cited by the submitters: PubMed 24094560.